The following is an entry in ClinVar:

ClinVar aggregate classification (germline): Uncertain significance (1 of 4 stars; one submission).

Conditions:
Retinitis pigmentosa 20 (RP20). Identifiers: Orphanet 791, MedGen C3151086, MONDO:0013425, OMIM 613794.
Leber congenital amaurosis 2 (LCA2). Also called: AMAUROSIS CONGENITA OF LEBER II; Autosomal Recessive RPE65-Related Retinal Degeneration. Identifiers: Orphanet 65, MedGen C1859844, MONDO:0008765, OMIM 204100. Disease mechanism: loss of function.

gnomAD v4.1: 6 of 1,614,030 alleles (0.00037%); highest among the groups gnomAD compares: Admixed American, 0.0083%; no homozygotes.

Submission:

Labcorp Genetics (formerly Invitae), Labcorp
Classification: Uncertain significance for Leber congenital amaurosis 2; Retinitis pigmentosa 20. Last evaluated: 2025-12-19. Review status: criteria provided, single submitter. Criteria: Invitae Variant Classification Sherloc (09022015). Collection method: clinical testing. Allele origin: germline.
Comment: This sequence change replaces glutamic acid, which is acidic and polar, with lysine, which is basic and polar, at codon 141 of the RPE65 protein (p.Glu141Lys). This variant is present in population databases (no rsID available, gnomAD 0.01%). This variant has not been reported in the literature in individuals affected with RPE65-related conditions. ClinVar contains an entry for this variant (Variation ID: 3753123). Invitae Evidence Modeling of protein sequence and biophysical properties (such as structural, functional, and spatial information, amino acid conservation, physicochemical variation, residue mobility, and thermodynamic stability) indicates that this missense variant is not expected to disrupt RPE65 protein function with a negative predictive value of 80%. In summary, the available evidence is currently insufficient to determine the role of this variant in disease. Therefore, it has been classified as a Variant of Uncertain Significance.

NM_000329.3(RPE65):c.421G>A (p.Glu141Lys)

Gene: RPE65 (retinoid isomerohydrolase RPE65; minus strand). Cytogenetic location: 1p31.3.
Variant type: single nucleotide variant.
Coding change: c.421G>A on transcript NM_000329.3 (MANE Select); coding-DNA position 421, G replaced by A.
Protein change: p.Glu141Lys; replaces glutamic acid 141 with lysine.
Molecular consequence: missense variant.
Genome position (GRCh38, 1-based): chr1:68,444,605, C>T on the plus strand (G>A on the coding strand, the complement: RPE65 is on the minus strand). VCF-style: chr1-68444605-C-T. GRCh37 (hg19) VCF-style: chr1-68910288-C-T.
Other names: c.313G>A, p.Glu105Lys (NM_001406853.1); c.145G>A, p.Glu49Lys (NM_001406856.1, NM_001406857.1); c.421G>A, p.Glu141Lys (NM_001406859.1, NM_001406860.1); short protein forms E105K, E141K, E49K.
Identifiers: ClinVar variation 3753123 (VCV003753123.2).